The following is an entry in ClinVar:

ClinVar aggregate classification (germline): Uncertain significance (1 of 4 stars; one submission).

Allele frequency attached by ClinVar (database versions not stated): TOPMed below 0.00001; gnomAD 0.00001; gnomAD exomes 0.00001.
gnomAD v4.1: 4 of 1,559,704 alleles (0.00026%); highest among the groups gnomAD compares: South Asian, 0.0035%; no homozygotes.

Submission:

GeneDx
Classification: Uncertain significance. Last evaluated: 2019-07-05. Review status: criteria provided, single submitter. Criteria: GeneDx Variant Classification Process June 2021. Collection method: clinical testing. Allele origin: germline. Affected: yes.
Comment: Has not been previously published as pathogenic or benign to our knowledge; Not observed in large population cohorts (Lek et al., 2016); In silico analysis, which includes protein predictors and evolutionary conservation, supports a deleterious effect

NM_001365276.2(TNXB):c.1232G>A (p.Arg411Lys)

Gene: TNXB (tenascin XB; minus strand). Cytogenetic location: 6p21.33.
Variant type: single nucleotide variant.
Coding change: c.1232G>A on transcript NM_001365276.2 (MANE Select); coding-DNA position 1232, G replaced by A.
Protein change: p.Arg411Lys; replaces arginine 411 with lysine.
Molecular consequence: missense variant.
Genome position (GRCh38, 1-based): chr6:32,096,621, C>T on the plus strand (G>A on the coding strand, the complement: TNXB is on the minus strand). VCF-style: chr6-32096621-C-T. GRCh37 (hg19) VCF-style: chr6-32064398-C-T.
Other names: c.1232G>A, p.Arg411Lys (NM_019105.8); short protein forms R411K.
Identifiers: ClinVar variation 1302225 (VCV001302225.2), dbSNP rs1280981393, ClinGen allele CA363482852.